The following is an entry in ClinVar:

ClinVar aggregate classification (germline): Pathogenic (1 of 4 stars; one submission).

Conditions:
Fabry disease. Also called: ALPHA-GALACTOSIDASE A DEFICIENCY; ANDERSON-FABRY DISEASE; CERAMIDE TRIHEXOSIDASE DEFICIENCY; GLA DEFICIENCY; HEREDITARY DYSTOPIC LIPIDOSIS; Angiokeratoma corporis diffusum. Identifiers: Orphanet 324, MedGen C0002986, MONDO:0010526, OMIM 301500, HP:0001071. Disease mechanism: Fabry disease is due to inactivating mutations in the X-linked GLA gene resulting in deficiency of the enzyme Alpha Galactosidase-A., loss of function.

Submission:

Genomenon, Inc
Classification: Pathogenic for Fabry disease. Last evaluated: 2026-09-08. Review status: criteria provided, single submitter. Criteria: Genomenon Sequence Variant Interpretation Standards - Updated. Collection method: curation. Allele origin: germline. Affected: yes.
Comment: GLA c.801+4A>G is an intronic variant located in the donor splice region of intron 5. This variant has been observed in at least one proband with clinical features consistent with Fabry disease (PMID:16595074). At least one splicing study has demonstrated that this variant results in aberrant splicing (PMID:37254000). It is absent or not present at a significant frequency in gnomAD. In conclusion, we classify GLA c.801+4A>G as a pathogenic variant.

Literature cited by the submitters: PubMed 16595074; PubMed 37254000.

NM_000169.3(GLA):c.801+4A>G

Genes: GLA (galactosidase alpha; minus strand), RPL36A-HNRNPH2 (RPL36A-HNRNPH2 readthrough; plus strand). Cytogenetic location: Xq22.1.
Variant type: single nucleotide variant.
Coding change: c.801+4A>G on transcript NM_000169.3 (MANE Select); 4 bases into the intron after coding-DNA position 801, A replaced by G.
Molecular consequence: intron variant.
Genome position (GRCh38, 1-based): chrX:101,398,781, T>C on the plus strand (A>G on the coding strand, the complement: GLA is on the minus strand). VCF-style: chrX-101398781-T-C. GRCh37 (hg19) VCF-style: chrX-100653769-T-C.
Other names: c.300+3324T>C (NM_001199973.2); c.177+6959T>C (NM_001199974.2); c.924+4A>G (NM_001406747.1); c.801+4A>G (NM_001406748.1).
Identifiers: ClinVar variation 4087129 (VCV004087129.2), dbSNP rs868993843.